The following is an entry in ClinVar:

NM_000283.4(PDE6B):c.788C>T (p.Thr263Met)

Genes: PDE6B (phosphodiesterase 6B; plus strand), PDE6B-AS1 (PDE6B antisense RNA 1; minus strand). Cytogenetic location: 4p16.3.
Variant type: single nucleotide variant.
Coding change: c.788C>T on transcript NM_000283.4 (MANE Select); coding-DNA position 788, C replaced by T.
Protein change: p.Thr263Met; replaces threonine 263 with methionine.
Molecular consequence: missense variant. On other transcripts: 5 prime UTR variant (5).
Genome position (GRCh38, 1-based): chr4:653,928, C>T. VCF-style: chr4-653928-C-T. GRCh37 (hg19) VCF-style: chr4-647717-C-T.
Other names: c.788C>T (NM_000283.3); c.788C>T, p.Thr263Met (NM_001145291.2); c.-50C>T (NM_001145292.2, NM_001350154.3, NM_001379246.1 and 1 more transcripts); c.-253C>T (NM_001350155.3); short protein forms T263M.
Identifiers: ClinVar variation 1019515 (VCV001019515.9), dbSNP rs755828989, ClinGen allele CA2794118.

ClinVar aggregate classification (germline): Uncertain significance. Review status: criteria provided, multiple submitters, no conflicts (2 of 4 stars). 3 submissions from 3 submitters: Uncertain significance (3). Last evaluated 2025-11-20.

Conditions:
Inborn genetic diseases. Identifiers: MedGen C0950123, MeSH D030342.

Allele frequency attached by ClinVar (database versions not stated): gnomAD 0.00001 and 0.00002; ExAC 0.00002; gnomAD exomes 0.00002; TOPMed 0.00004.
gnomAD v4.1: 48 of 1,613,640 alleles (0.003%); highest among the groups gnomAD compares: East Asian, 0.0045%; no homozygotes.

Submissions (3):

Ambry Genetics
Classification: Uncertain significance for Inborn genetic diseases. Last evaluated: 2025-11-20. Review status: criteria provided, single submitter. Criteria: Ambry Variant Classification Scheme 2023. Collection method: clinical testing. Allele origin: germline.

Labcorp Genetics (formerly Invitae), Labcorp
Classification: Uncertain significance. Last evaluated: 2025-03-31. Review status: criteria provided, single submitter. Criteria: Invitae Variant Classification Sherloc (09022015). Collection method: clinical testing. Allele origin: germline.
Comment: This sequence change replaces threonine, which is neutral and polar, with methionine, which is neutral and non-polar, at codon 263 of the PDE6B protein (p.Thr263Met). This variant is present in population databases (rs755828989, gnomAD 0.006%). This variant has not been reported in the literature in individuals affected with PDE6B-related conditions. ClinVar contains an entry for this variant (Variation ID: 1019515). Invitae Evidence Modeling of protein sequence and biophysical properties (such as structural, functional, and spatial information, amino acid conservation, physicochemical variation, residue mobility, and thermodynamic stability) indicates that this missense variant is expected to disrupt PDE6B protein function with a positive predictive value of 80%. In summary, the available evidence is currently insufficient to determine the role of this variant in disease. Therefore, it has been classified as a Variant of Uncertain Significance.

Blueprint Genetics
Classification: Uncertain significance. Last evaluated: 2018-03-07. Review status: criteria provided, single submitter. Criteria: ACMG Guidelines, 2015. Collection method: clinical testing. Allele origin: germline.